The following is an entry in ClinVar:

ClinVar aggregate classification (germline): Uncertain significance. Review status: criteria provided, multiple submitters, no conflicts (2 of 4 stars). 4 submissions from 4 submitters: Uncertain significance (4). Last evaluated 2025-07-03.

Allele frequency attached by ClinVar (database versions not stated): gnomAD exomes 0.00002; ExAC 0.00003; TOPMed 0.00004; gnomAD 0.00005.
gnomAD v4.1: 41 of 1,537,358 alleles (0.0027%); highest among the groups gnomAD compares: African/African-American, 0.0068%; no homozygotes.

Submissions (4):

Labcorp Genetics (formerly Invitae), Labcorp
Classification: Uncertain significance. Last evaluated: 2025-07-03. Review status: criteria provided, single submitter. Criteria: Invitae Variant Classification Sherloc (09022015). Collection method: clinical testing. Allele origin: germline.
Comment: This sequence change replaces proline, which is neutral and non-polar, with leucine, which is neutral and non-polar, at codon 1495 of the LRP5 protein (p.Pro1495Leu). This variant is present in population databases (rs752755797, gnomAD 0.004%). This missense change has been observed in individual(s) with familial exudative vitreoretinopathy (PMID: 30452590). ClinVar contains an entry for this variant (Variation ID: 287332). Invitae Evidence Modeling of protein sequence and biophysical properties (such as structural, functional, and spatial information, amino acid conservation, physicochemical variation, residue mobility, and thermodynamic stability) indicates that this missense variant is not expected to disrupt LRP5 protein function with a negative predictive value of 95%. In summary, the available evidence is currently insufficient to determine the role of this variant in disease. Therefore, it has been classified as a Variant of Uncertain Significance.

Women's Health and Genetics/Laboratory Corporation of America, LabCorp
Classification: Uncertain significance. Last evaluated: 2025-05-05. Review status: criteria provided, single submitter. Criteria: LabCorp Variant Classification Summary - May 2015. Collection method: clinical testing. Allele origin: germline.
Comment: Variant summary: LRP5 c.4484C>T (p.Pro1495Leu) results in a non-conservative amino acid change in the encoded protein sequence. Algorithms developed to predict the effect of missense changes on protein structure and function are either unavailable or do not agree on the potential impact of this missense change. The variant allele was found at a frequency of 1.8e-05 in 163086 control chromosomes. The available data on variant occurrences in the general population are insufficient to allow any conclusion about variant significance. c.4484C>T has been observed in individual(s) affected with Familial Exudative Vitreoretinopathy (Li_2018). These report(s) do not provide unequivocal conclusions about association of the variant with Familial Exudative Vitreoretinopathy. To our knowledge, no experimental evidence demonstrating an impact on protein function has been reported. The following publication have been ascertained in the context of this evaluation (PMID: 30452590). ClinVar contains an entry for this variant (Variation ID: 287332). Based on the evidence outlined above, the variant was classified as uncertain significance.

Blueprint Genetics
Classification: Uncertain significance. Last evaluated: 2023-10-18. Review status: criteria provided, single submitter. Criteria: ACMG Guidelines, 2015. Collection method: clinical testing. Allele origin: germline.

Eurofins Ntd Llc (ga)
Classification: Uncertain significance. Last evaluated: 2016-05-25. Review status: criteria provided, single submitter. Criteria: EGL Classification Definitions 2015. Collection method: clinical testing. Allele origin: germline. Observed: 1 variant allele, 1 heterozygote.

Literature cited by the submitters: PubMed 30452590 (cited by Labcorp Genetics (formerly Invitae), Labcorp and Women's Health and Genetics/Laboratory Corporation of America, LabCorp).

NM_002335.4(LRP5):c.4484C>T (p.Pro1495Leu)

Gene: LRP5 (LDL receptor related protein 5; plus strand). Cytogenetic location: 11q13.2.
Variant type: single nucleotide variant.
Coding change: c.4484C>T on transcript NM_002335.4 (MANE Select); coding-DNA position 4484, C replaced by T.
Protein change: p.Pro1495Leu; replaces proline 1495 with leucine.
Molecular consequence: missense variant.
Genome position (GRCh38, 1-based): chr11:68,439,912, C>T. VCF-style: chr11-68439912-C-T. GRCh37 (hg19) VCF-style: chr11-68207380-C-T.
Other names: c.2741C>T, p.Pro914Leu (NM_001291902.2); short protein forms P1495L, P914L.
Identifiers: ClinVar variation 287332 (VCV000287332.16), dbSNP rs752755797, ClinGen allele CA6150376.